The following is an entry in ClinVar:

ClinVar aggregate classification (germline): Uncertain significance (1 of 4 stars; one submission).

Conditions:
Noonan syndrome 9 (NS9). Identifiers: Orphanet 648, MedGen C4225282, MONDO:0014691, OMIM 616559.

Submission:

Labcorp Genetics (formerly Invitae), Labcorp
Classification: Uncertain significance for Noonan syndrome 9. Last evaluated: 2025-09-15. Review status: criteria provided, single submitter. Criteria: Invitae Variant Classification Sherloc (09022015). Collection method: clinical testing. Allele origin: germline.
Comment: This sequence change replaces leucine, which is neutral and non-polar, with valine, which is neutral and non-polar, at codon 802 of the SOS2 protein (p.Leu802Val). The frequency data for this variant in the population databases is considered unreliable, as metrics indicate poor data quality at this position in the gnomAD database. This variant has not been reported in the literature in individuals affected with SOS2-related conditions. Invitae Evidence Modeling of protein sequence and biophysical properties (such as structural, functional, and spatial information, amino acid conservation, physicochemical variation, residue mobility, and thermodynamic stability) has been performed for this missense variant. However, the output from this modeling did not meet the statistical confidence thresholds required to predict the impact of this variant on SOS2 protein function. In summary, the available evidence is currently insufficient to determine the role of this variant in disease. Therefore, it has been classified as a Variant of Uncertain Significance.

NM_006939.4(SOS2):c.2404C>G (p.Leu802Val)

Gene: SOS2 (SOS Ras/Rho guanine nucleotide exchange factor 2; minus strand). Cytogenetic location: 14q21.3.
Variant type: single nucleotide variant.
Coding change: c.2404C>G on transcript NM_006939.4 (MANE Select); coding-DNA position 2404, C replaced by G.
Protein change: p.Leu802Val; replaces leucine 802 with valine.
Molecular consequence: missense variant.
Genome position (GRCh38, 1-based): chr14:50,145,577, G>C on the plus strand (C>G on the coding strand, the complement: SOS2 is on the minus strand). VCF-style: chr14-50145577-G-C. GRCh37 (hg19) VCF-style: chr14-50612295-G-C.
Other names: c.2305C>G, p.Leu769Val (NM_001411020.1); short protein forms L769V, L802V.
Identifiers: ClinVar variation 4810192 (VCV004810192.1).